The following is an entry in ClinVar:

NM_052947.4(ALPK2):c.1524G>A (p.Met508Ile)

Gene: ALPK2 (alpha kinase 2; minus strand). Cytogenetic location: 18q21.31.
Variant type: single nucleotide variant.
Coding change: c.1524G>A on transcript NM_052947.4 (MANE Select); coding-DNA position 1524, G replaced by A.
Protein change: p.Met508Ile; replaces methionine 508 with isoleucine.
Molecular consequence: missense variant.
Genome position (GRCh38, 1-based): chr18:58,579,252, C>T on the plus strand (G>A on the coding strand, the complement: ALPK2 is on the minus strand). VCF-style: chr18-58579252-C-T. GRCh37 (hg19) VCF-style: chr18-56246484-C-T.
Other names: short protein forms M508I.
Identifiers: ClinVar variation 3290409 (VCV003290409.1).

ClinVar aggregate classification (germline): Uncertain significance (1 of 4 stars; one submission).

gnomAD v4.1: 2 of 1,614,056 alleles (0.00012%); highest among the groups gnomAD compares: Non-Finnish European, 0.00017%; no homozygotes.

Submission:

Ambry Genetics
Classification: Uncertain significance. Last evaluated: 2024-05-18. Review status: criteria provided, single submitter. Criteria: Ambry Variant Classification Scheme 2023. Collection method: clinical testing. Allele origin: germline.
Comment: The p.M508I variant (also known as c.1524G>A), located in coding exon 3 of the ALPK2 gene, results from a G to A substitution at nucleotide position 1524. The methionine at codon 508 is replaced by isoleucine, an amino acid with highly similar properties. This amino acid position is conserved. In addition, this alteration is predicted to be tolerated by in silico analysis. Based on the available evidence, the clinical significance of this variant remains unclear.